The following is an entry in ClinVar:

NM_016107.5(ZFR):c.3135C>A (p.His1045Gln)

Gene: ZFR (zinc finger RNA binding protein; minus strand). Cytogenetic location: 5p13.3.
Variant type: single nucleotide variant.
Coding change: c.3135C>A on transcript NM_016107.5 (MANE Select); coding-DNA position 3135, C replaced by A.
Protein change: p.His1045Gln; replaces histidine 1045 with glutamine.
Molecular consequence: missense variant. On other transcripts: non-coding transcript variant (1).
Genome position (GRCh38, 1-based): chr5:32,355,850, G>T on the plus strand (C>A on the coding strand, the complement: ZFR is on the minus strand). VCF-style: chr5-32355850-G-T. GRCh37 (hg19) VCF-style: chr5-32355956-G-T.
Other names: short protein forms H1045Q.
Identifiers: ClinVar variation 4752974 (VCV004752974.1).

ClinVar aggregate classification (germline): Uncertain significance (1 of 4 stars; one submission).

Conditions:
Pure or complex autosomal recessive spastic paraplegia. Identifiers: Orphanet 320346, MedGen C5679887, MONDO:0017915.

Submission:

Labcorp Genetics (formerly Invitae), Labcorp
Classification: Uncertain significance for Pure or complex autosomal recessive spastic paraplegia. Last evaluated: 2025-03-19. Review status: criteria provided, single submitter. Criteria: Invitae Variant Classification Sherloc (09022015). Collection method: clinical testing. Allele origin: germline.
Comment: This sequence change replaces histidine, which is basic and polar, with glutamine, which is neutral and polar, at codon 1045 of the ZFR protein (p.His1045Gln). This variant is not present in population databases (gnomAD no frequency). This variant has not been reported in the literature in individuals affected with ZFR-related conditions. Experimental studies and prediction algorithms are not available or were not evaluated, and the functional significance of this variant is currently unknown. In summary, the available evidence is currently insufficient to determine the role of this variant in disease. Therefore, it has been classified as a Variant of Uncertain Significance.